The following is an entry in ClinVar:

NM_000282.4(PCCA):c.1801C>T (p.Pro601Ser)

Gene: PCCA (propionyl-CoA carboxylase subunit alpha; plus strand). Cytogenetic location: 13q32.3.
Variant type: single nucleotide variant.
Coding change: c.1801C>T on transcript NM_000282.4 (MANE Select); coding-DNA position 1801, C replaced by T.
Protein change: p.Pro601Ser; replaces proline 601 with serine.
Molecular consequence: missense variant. On other transcripts: non-coding transcript variant (5).
Genome position (GRCh38, 1-based): chr13:100,425,687, C>T. VCF-style: chr13-100425687-C-T. GRCh37 (hg19) VCF-style: chr13-101077941-C-T.
Other names: p.Pro601Ser; c.1723C>T, p.Pro575Ser (NM_001127692.3, NM_001352607.2); c.1801C>T, p.Pro601Ser (NM_001178004.2, NM_001352605.2, NM_001352609.2); c.1657C>T, p.Pro553Ser (NM_001352606.2); c.1579C>T, p.Pro527Ser (NM_001352608.2); c.856C>T, p.Pro286Ser (NM_001352610.2, NM_001352611.2); c.712C>T, p.Pro238Ser (NM_001352612.2); short protein forms P527S, P553S, P601S, P238S, P286S, P575S.
Identifiers: ClinVar variation 1349087 (VCV001349087.6), dbSNP rs752459931, ClinGen allele CA7033789.
Genomic context (GRCh38, chr13:100,425,687, plus strand): 5'-CAACAGGTGGAAGTTGATGGGTCGAAACTAAATGTGACCAGCACGTGGAACCTGGCTTCG[C>T]CCTTATTGTCTGTCAGCGTTGATGGCACTCAGAGGACTGTCCAGGTGAGTGTTGTAAGGA-3'
Protein context (NP_000273.2, residues 591-611): NVTSTWNLAS[Pro601Ser]LLSVSVDGTQ

ClinVar aggregate classification (germline): Uncertain significance. Review status: criteria provided, multiple submitters, no conflicts (2 of 4 stars). 2 submissions from 2 submitters: Uncertain significance (2). Last evaluated 2025-07-14.

Conditions:
Propionic acidemia (PROP). Also called: KETOTIC HYPERGLYCINEMIA; GLYCINEMIA, KETOTIC; HYPERGLYCINEMIA WITH KETOACIDOSIS AND LEUKOPENIA. Identifiers: Orphanet 35, MedGen C0268579, MONDO:0011628, OMIM 606054, HP:0003571.

Allele frequency attached by ClinVar (database versions not stated): gnomAD exomes 0.00001; ExAC 0.00001; gnomAD 0.00001; TOPMed 0.00001.
gnomAD v4.1: 13 of 1,614,034 alleles (0.00081%); highest among the groups gnomAD compares: Non-Finnish European, 0.0011%; no homozygotes.

Submissions (2):

Mayo Clinic Laboratories, Mayo Clinic
Classification: Uncertain significance. Last evaluated: 2025-07-14. Review status: criteria provided, single submitter. Criteria: ACMG Guidelines, 2015. Collection method: clinical testing. Allele origin: germline. Observed: 3 variant alleles.
Comment: BP4, PM2_supporting

Labcorp Genetics (formerly Invitae), Labcorp
Classification: Uncertain significance for Propionic acidemia. Last evaluated: 2021-09-17. Review status: criteria provided, single submitter. Criteria: Invitae Variant Classification Sherloc (09022015). Collection method: clinical testing. Allele origin: germline.
Comment: This sequence change replaces proline with serine at codon 601 of the PCCA protein (p.Pro601Ser). The proline residue is highly conserved and there is a moderate physicochemical difference between proline and serine. This variant is present in population databases (rs752459931, ExAC 0.002%). This variant has not been reported in the literature in individuals affected with PCCA-related conditions. Advanced modeling of protein sequence and biophysical properties (such as structural, functional, and spatial information, amino acid conservation, physicochemical variation, residue mobility, and thermodynamic stability) performed at Invitae indicates that this missense variant is not expected to disrupt PCCA protein function. In summary, the available evidence is currently insufficient to determine the role of this variant in disease. Therefore, it has been classified as a Variant of Uncertain Significance.